The following is an entry in ClinVar:

NM_005477.3(HCN4):c.3082C>T (p.Pro1028Ser)

Gene: HCN4 (hyperpolarization activated cyclic nucleotide gated potassium channel 4; minus strand). Cytogenetic location: 15q24.1.
Variant type: single nucleotide variant.
Coding change: c.3082C>T on transcript NM_005477.3 (MANE Select); coding-DNA position 3082, C replaced by T.
Protein change: p.Pro1028Ser; replaces proline 1028 with serine.
Molecular consequence: missense variant.
Genome position (GRCh38, 1-based): chr15:73,323,011, G>A on the plus strand (C>T on the coding strand, the complement: HCN4 is on the minus strand). VCF-style: chr15-73323011-G-A. GRCh37 (hg19) VCF-style: chr15-73615352-G-A.
Other names: short protein forms P1028S.
Identifiers: ClinVar variation 2565014 (VCV002565014.5), dbSNP rs1375231724, ClinGen allele CA393086254.

ClinVar aggregate classification (germline): Uncertain significance. Review status: criteria provided, multiple submitters, no conflicts (2 of 4 stars). 2 submissions from 2 submitters: Uncertain significance (2). Last evaluated 2025-12-12.

Conditions:
Cardiovascular phenotype. Identifiers: MedGen CN230736.
Brugada syndrome 8 (BRGDA8). Identifiers: Orphanet 130, MedGen C2751083, MONDO:0013148, OMIM 613123.

gnomAD v4.1: 6 of 1,470,806 alleles (0.00041%); highest among the groups gnomAD compares: South Asian, 0.0071%; no homozygotes.

Submissions (2):

Ambry Genetics
Classification: Uncertain significance for Cardiovascular phenotype. Last evaluated: 2025-12-12. Review status: criteria provided, single submitter. Criteria: Ambry Variant Classification Scheme 2023. Collection method: clinical testing. Allele origin: germline.
Comment: The p.P1028S variant (also known as c.3082C>T), located in coding exon 8 of the HCN4 gene, results from a C to T substitution at nucleotide position 3082. The proline at codon 1028 is replaced by serine, an amino acid with similar properties. This amino acid position is conserved. In addition, the in silico prediction for this alteration is inconclusive. Since supporting evidence is limited at this time, the clinical significance of this alteration remains unclear.

Labcorp Genetics (formerly Invitae), Labcorp
Classification: Uncertain significance for Brugada syndrome 8. Last evaluated: 2024-12-23. Review status: criteria provided, single submitter. Criteria: Invitae Variant Classification Sherloc (09022015). Collection method: clinical testing. Allele origin: germline.
Comment: This sequence change replaces proline, which is neutral and non-polar, with serine, which is neutral and polar, at codon 1028 of the HCN4 protein (p.Pro1028Ser). This variant is not present in population databases (gnomAD no frequency). This variant has not been reported in the literature in individuals affected with HCN4-related conditions. ClinVar contains an entry for this variant (Variation ID: 2565014). Invitae Evidence Modeling of protein sequence and biophysical properties (such as structural, functional, and spatial information, amino acid conservation, physicochemical variation, residue mobility, and thermodynamic stability) indicates that this missense variant is not expected to disrupt HCN4 protein function with a negative predictive value of 95%. In summary, the available evidence is currently insufficient to determine the role of this variant in disease. Therefore, it has been classified as a Variant of Uncertain Significance.